The following is an entry in ClinVar:

ClinVar aggregate classification (germline): Uncertain significance. Review status: criteria provided, multiple submitters, no conflicts (2 of 4 stars). 2 submissions from 2 submitters: Uncertain significance (2). Last evaluated 2022-08-08.

Allele frequency attached by ClinVar (database versions not stated): gnomAD exomes 0.00003 and 0.00004; gnomAD 0.00005; TOPMed 0.00005; ExAC 0.00006; 1000 Genomes Project 30x 0.00016; 1000 Genomes Project 0.00020.
gnomAD v4.1: 64 of 1,613,542 alleles (0.004%); highest among the groups gnomAD compares: Admixed American, 0.01%; no homozygotes.

Submissions (2):

Labcorp Genetics (formerly Invitae), Labcorp
Classification: Uncertain significance. Last evaluated: 2022-08-08. Review status: criteria provided, single submitter. Criteria: Invitae Variant Classification Sherloc (09022015). Collection method: clinical testing. Allele origin: germline.
Comment: This sequence change replaces arginine, which is basic and polar, with cysteine, which is neutral and slightly polar, at codon 1366 of the DOCK6 protein (p.Arg1366Cys). This variant is present in population databases (rs200809206, gnomAD 0.009%). This variant has not been reported in the literature in individuals affected with DOCK6-related conditions. ClinVar contains an entry for this variant (Variation ID: 1439071). Algorithms developed to predict the effect of missense changes on protein structure and function (SIFT, PolyPhen-2, Align-GVGD) all suggest that this variant is likely to be tolerated. In summary, the available evidence is currently insufficient to determine the role of this variant in disease. Therefore, it has been classified as a Variant of Uncertain Significance.

CeGaT Center for Human Genetics Tuebingen
Classification: Uncertain significance. Last evaluated: 2022-07-01. Review status: criteria provided, single submitter. Criteria: CeGaT Center For Human Genetics Tuebingen Variant Classification Criteria Version 2. Collection method: clinical testing. Allele origin: germline. Affected: yes. Observed: 1 variant allele.
Comment: DOCK6: PM2

NM_020812.4(DOCK6):c.4096C>T (p.Arg1366Cys)

Genes: DOCK6 (dedicator of cytokinesis 6; minus strand), DOCK6-AS1 (DOCK6 antisense RNA 1; plus strand). Cytogenetic location: 19p13.2.
Variant type: single nucleotide variant.
Coding change: c.4096C>T on transcript NM_020812.4 (MANE Select); coding-DNA position 4096, C replaced by T.
Protein change: p.Arg1366Cys; replaces arginine 1366 with cysteine.
Molecular consequence: missense variant.
Genome position (GRCh38, 1-based): chr19:11,215,397, G>A on the plus strand (C>T on the coding strand, the complement: DOCK6 is on the minus strand). VCF-style: chr19-11215397-G-A. GRCh37 (hg19) VCF-style: chr19-11326073-G-A.
Other names: c.4201C>T, p.Arg1401Cys (NM_001367830.1); short protein forms R1366C, R1401C.
Identifiers: ClinVar variation 1439071 (VCV001439071.27), dbSNP rs200809206, ClinGen allele CA9207001.